The following is an entry in ClinVar:

ClinVar aggregate classification (germline): Uncertain significance (1 of 4 stars; one submission).

Allele frequency attached by ClinVar (database versions not stated): gnomAD exomes 0.00001.
gnomAD v4.1: 12 of 1,613,914 alleles (0.00074%); highest among the groups gnomAD compares: African/African-American, 0.0013%; no homozygotes.

Submission:

GeneDx
Classification: Uncertain significance. Last evaluated: 2024-10-07. Review status: criteria provided, single submitter. Criteria: GeneDx Variant Classification Process June 2021. Collection method: clinical testing. Allele origin: germline. Affected: yes.
Comment: In silico analysis supports that this missense variant has a deleterious effect on protein structure/function; Has not been previously published as pathogenic or benign to our knowledge

NM_001127222.2(CACNA1A):c.3806A>G (p.Asn1269Ser)

Gene: CACNA1A (calcium voltage-gated channel subunit alpha1 A; minus strand). Cytogenetic location: 19p13.13.
Variant type: single nucleotide variant.
Coding change: c.3806A>G on transcript NM_001127222.2 (MANE Select); coding-DNA position 3806, A replaced by G.
Protein change: p.Asn1269Ser; replaces asparagine 1269 with serine.
Molecular consequence: missense variant.
Genome position (GRCh38, 1-based): chr19:13,283,283, T>C on the plus strand (A>G on the coding strand, the complement: CACNA1A is on the minus strand). VCF-style: chr19-13283283-T-C. GRCh37 (hg19) VCF-style: chr19-13394097-T-C.
Other names: c.3818A>G, p.Asn1273Ser (NM_000068.4, NM_023035.3); c.3809A>G, p.Asn1270Ser (NM_001127221.2, NM_001174080.2); short protein forms N1270S, N1269S, N1273S.
Identifiers: ClinVar variation 450696 (VCV000450696.3), dbSNP rs997272721, ClinGen allele CA305562266.